The following is an entry in ClinVar:

NM_000540.3(RYR1):c.5176C>T (p.Arg1726Cys)

Gene: RYR1 (ryanodine receptor 1; plus strand). Cytogenetic location: 19q13.2.
Variant type: single nucleotide variant.
Coding change: c.5176C>T on transcript NM_000540.3 (MANE Select); coding-DNA position 5176, C replaced by T.
Protein change: p.Arg1726Cys; replaces arginine 1726 with cysteine.
Molecular consequence: missense variant.
Genome position (GRCh38, 1-based): chr19:38,485,831, C>T. VCF-style: chr19-38485831-C-T. GRCh37 (hg19) VCF-style: chr19-38976471-C-T.
Other names: c.5176C>T, p.Arg1726Cys (NM_001042723.2); short protein forms R1726C.
Identifiers: ClinVar variation 2774214 (VCV002774214.3), dbSNP rs1459876525, ClinGen allele CA405654069.
Genomic context (GRCh38, chr19:38,485,831, plus strand): 5'-CTGCGCGCAGGCTACTATGACCTCCTCATCAGCATCCACCTCGAAAGTGCCTGCCGCAGC[C>T]GCCGCTCCATGCTCTCTGAATACATCGTGCCCCTCACGCCTGAGACCCGCGCCATCACGC-3'
Protein context (NP_000531.2, residues 1716-1736): SIHLESACRS[Arg1726Cys]RSMLSEYIVP

ClinVar aggregate classification (germline): Uncertain significance. Review status: criteria provided, multiple submitters, no conflicts (2 of 4 stars). 2 submissions from 2 submitters: Uncertain significance (2). Last evaluated 2025-09-23.

Conditions:
RYR1-related disorder. Also called: RYR1-related condition; RYR1-related disorders. Identifiers: MedGen CN239331.
Malignant hyperthermia, susceptibility to, 1 (MHS1). Also called: Malignant hyperthermia suceptibility 1; Anesthesia related hyperthermia; Malignant hyperpyrexia; Fulminating hyperpyrexia; Pharmacogenic myopathy; RYR1-Related Malignant Hyperthermia Susceptibility. Identifiers: Orphanet 423, MedGen C2930980, MONDO:0007783, OMIM 145600.

Allele frequency attached by ClinVar (database versions not stated): gnomAD 0.00001; TOPMed 0.00001; gnomAD exomes 0.00002.
gnomAD v4.1: 24 of 1,613,570 alleles (0.0015%); highest among the groups gnomAD compares: Non-Finnish European, 0.0019%; no homozygotes.

Submissions (2):

Labcorp Genetics (formerly Invitae), Labcorp
Classification: Uncertain significance for RYR1-related disorder. Last evaluated: 2025-09-23. Review status: criteria provided, single submitter. Criteria: Invitae Variant Classification Sherloc (09022015). Collection method: clinical testing. Allele origin: germline.
Comment: This sequence change replaces arginine, which is basic and polar, with cysteine, which is neutral and slightly polar, at codon 1726 of the RYR1 protein (p.Arg1726Cys). This variant is not present in population databases (gnomAD no frequency). This missense change has been observed in individual(s) with RYR1-related conditions (PMID: 32236737). ClinVar contains an entry for this variant (Variation ID: 2774214). Invitae Evidence Modeling of protein sequence and biophysical properties (such as structural, functional, and spatial information, amino acid conservation, physicochemical variation, residue mobility, and thermodynamic stability) indicates that this missense variant is not expected to disrupt RYR1 protein function with a negative predictive value of 80%. In summary, the available evidence is currently insufficient to determine the role of this variant in disease. Therefore, it has been classified as a Variant of Uncertain Significance.

Color Diagnostics, LLC DBA Color Health
Classification: Uncertain significance for Malignant hyperthermia, susceptibility to, 1. Last evaluated: 2023-09-12. Review status: criteria provided, single submitter. Criteria: ACMG Guidelines, 2015. Collection method: clinical testing. Allele origin: germline.
Comment: This missense variant replaces arginine with cysteine at codon 1726 of the RYR1 protein. Computational prediction is inconclusive regarding the impact of this variant on protein structure and function (internally defined REVEL score threshold 0.5 < inconclusive < 0.7, PMID: 27666373). To our knowledge, functional studies have not been reported for this variant. This variant has not been reported in individuals affected with RYR1-related disorders in the literature. This variant has not been identified in the general population by the Genome Aggregation Database (gnomAD). The available evidence is insufficient to determine the role of this variant in disease conclusively. Therefore, this variant is classified as a Variant of Uncertain Significance.

Literature cited by the submitters: PubMed 32236737 (cited by Labcorp Genetics (formerly Invitae), Labcorp).